The following is an entry in ClinVar:

NM_001999.4(FBN2):c.5053G>A (p.Glu1685Lys)

Gene: FBN2 (fibrillin 2; minus strand). Cytogenetic location: 5q23.3.
Variant type: single nucleotide variant.
Coding change: c.5053G>A on transcript NM_001999.4 (MANE Select); coding-DNA position 5053, G replaced by A.
Protein change: p.Glu1685Lys; replaces glutamic acid 1685 with lysine.
Molecular consequence: missense variant.
Genome position (GRCh38, 1-based): chr5:128,311,321, C>T on the plus strand (G>A on the coding strand, the complement: FBN2 is on the minus strand). VCF-style: chr5-128311321-C-T. GRCh37 (hg19) VCF-style: chr5-127647013-C-T.
Other names: short protein forms E1685K.
Identifiers: ClinVar variation 4721244 (VCV004721244.1).

ClinVar aggregate classification (germline): Uncertain significance (1 of 4 stars; one submission).

Conditions:
Congenital contractural arachnodactyly (CCA). Also called: Arthrogryposis, distal, type 9; BEALS SYNDROME; Beals-Hecht syndrome. Identifiers: Orphanet 115, MedGen C0220668, MONDO:0007363, OMIM 121050.

gnomAD v4.1: 7 of 1,614,108 alleles (0.00043%); highest among the groups gnomAD compares: South Asian, 0.0011%; no homozygotes.

Submission:

Labcorp Genetics (formerly Invitae), Labcorp
Classification: Uncertain significance for Congenital contractural arachnodactyly. Last evaluated: 2026-01-07. Review status: criteria provided, single submitter. Criteria: Invitae Variant Classification Sherloc (09022015). Collection method: clinical testing. Allele origin: germline.
Comment: This sequence change replaces glutamic acid, which is acidic and polar, with lysine, which is basic and polar, at codon 1685 of the FBN2 protein (p.Glu1685Lys). This variant is not present in population databases (gnomAD no frequency). This variant has not been reported in the literature in individuals affected with FBN2-related conditions. Invitae Evidence Modeling of protein sequence and biophysical properties (such as structural, functional, and spatial information, amino acid conservation, physicochemical variation, residue mobility, and thermodynamic stability) indicates that this missense variant is not expected to disrupt FBN2 protein function with a negative predictive value of 80%. In summary, the available evidence is currently insufficient to determine the role of this variant in disease. Therefore, it has been classified as a Variant of Uncertain Significance.